The following is an entry in ClinVar:

NM_005051.3(QARS1):c.1573C>T (p.Arg525Trp)

Gene: QARS1 (glutaminyl-tRNA synthetase 1; minus strand). Cytogenetic location: 3p21.31.
Variant type: single nucleotide variant.
Coding change: c.1573C>T on transcript NM_005051.3 (MANE Select); coding-DNA position 1573, C replaced by T.
Protein change: p.Arg525Trp; replaces arginine 525 with tryptophan.
Molecular consequence: missense variant. On other transcripts: non-coding transcript variant (1).
Genome position (GRCh38, 1-based): chr3:49,099,385, G>A on the plus strand (C>T on the coding strand, the complement: QARS1 is on the minus strand). VCF-style: chr3-49099385-G-A. GRCh37 (hg19) VCF-style: chr3-49136818-G-A.
Other names: c.1540C>T, p.Arg514Trp (NM_001272073.2); c.1573C>T (NM_005051.2); short protein forms R525W, R514W.
Identifiers: ClinVar variation 520898 (VCV000520898.11), dbSNP rs1553751726, ClinGen allele CA352704941.

ClinVar aggregate classification (germline): Uncertain significance. Review status: criteria provided, multiple submitters, no conflicts (2 of 4 stars). 4 submissions from 4 submitters: Uncertain significance (4). Last evaluated 2025-08-05.

Conditions:
Diffuse cerebral and cerebellar atrophy - intractable seizures - progressive microcephaly syndrome. Also called: Microcephaly, progressive, with seizures and cerebral and cerebellar atrophy. Identifiers: Orphanet 404437, MedGen C4014239, MONDO:0014335, OMIM 615760.
Inborn genetic diseases. Identifiers: MedGen C0950123, MeSH D030342.

Allele frequency attached by ClinVar (database versions not stated): TOPMed below 0.00001; gnomAD exomes 0.00001.
gnomAD v4.1: 14 of 1,614,184 alleles (0.00087%); highest among the groups gnomAD compares: South Asian, 0.0033%; no homozygotes.

Submissions (4):

GeneDx
Classification: Uncertain significance. Last evaluated: 2025-08-05. Review status: criteria provided, single submitter. Criteria: GeneDx Variant Classification Process June 2021. Collection method: clinical testing. Allele origin: germline. Affected: yes.
Comment: Reported previously in the compound heterozygous state in a patient with severe motor delay, severe hypotonia, contractures, absent speech, involuntary movements, myoclonic seizures, and brain abnormalities (PMID: 32042906); Not observed at significant frequency in large population cohorts (gnomAD); In silico analysis supports that this missense variant has a deleterious effect on protein structure/function; This variant is associated with the following publications: (PMID: 25471517, 32042906)

Ambry Genetics
Classification: Uncertain significance for Inborn genetic diseases. Last evaluated: 2022-06-16. Review status: criteria provided, single submitter. Criteria: Ambry Variant Classification Scheme 2023. Collection method: clinical testing. Allele origin: germline.
Comment: The c.1573C>T (p.R525W) alteration is located in exon 17 (coding exon 17) of the QARS gene. This alteration results from a C to T substitution at nucleotide position 1573, causing the arginine (R) at amino acid position 525 to be replaced by a tryptophan (W). The amino acid is located in a functionally important protein domain:_x000D_ The p.R525W amino acid is located in the catalytic domain which is responsible for the ATP dependent attachment of the amino acid to the enzyme. It is located after the KMSKS motif which binds to ATP. Another missense substitution in the same loop (p.R515Y) was suggested to increase the aggregation of this protein and disrupt aminoacylation activity. However, there is no evidence protein aggregation and function would be affected by a change in position p.R525._x000D_ _x000D_ Structual modeling of this alteration is inconclusive_x000D_ Structural modeling performed in house at Ambry Genetics revealed that the position R525 is in a disordered loop lying in a buried region between the catalytic domain and the codon binding domain. This interfacial is identified to be subject to allosteric effects by (Zhang, 2014). The change R->W is unfavored (BLOSUM62 -3 and the nearby variant (R215W) has been identified to be pathogenic. However, R525W is not significantly destabilizing (-0.35) compared to R215W (10.52). While the variant likely perturbs in folding, structural evidence is not conclusive. Based on insufficient or conflicting evidence, the clinical significance of this alteration remains unclear.

Labcorp Genetics (formerly Invitae), Labcorp
Classification: Uncertain significance for Diffuse cerebral and cerebellar atrophy - intractable seizures - progressive microcephaly syndrome. Last evaluated: 2021-05-18. Review status: criteria provided, single submitter. Criteria: Invitae Variant Classification Sherloc (09022015). Collection method: clinical testing. Allele origin: germline.
Comment: This sequence change replaces arginine with tryptophan at codon 525 of the QARS protein (p.Arg525Trp). The arginine residue is highly conserved and there is a moderate physicochemical difference between arginine and tryptophan. This variant is not present in population databases (ExAC no frequency). This variant has not been reported in the literature in individuals with QARS-related conditions. ClinVar contains an entry for this variant (Variation ID: 520898). Algorithms developed to predict the effect of missense changes on protein structure and function are either unavailable or do not agree on the potential impact of this missense change (SIFT: "Deleterious"; PolyPhen-2: "Not Available"; Align-GVGD: "Class C65"). Algorithms developed to predict the effect of sequence changes on RNA splicing suggest that this variant may create or strengthen a splice site, but this prediction has not been confirmed by published transcriptional studies. In summary, the available evidence is currently insufficient to determine the role of this variant in disease. Therefore, it has been classified as a Variant of Uncertain Significance.

Blueprint Genetics
Classification: Uncertain significance. Last evaluated: 2020-04-02. Review status: criteria provided, single submitter. Criteria: ACMG Guidelines, 2015. Collection method: clinical testing. Allele origin: germline.

Literature cited by the submitters: PubMed 32042906 (cited by Ambry Genetics).